The following is an entry in ClinVar:

ClinVar aggregate classification (germline): Benign/Likely benign. Review status: criteria provided, multiple submitters, no conflicts (2 of 4 stars). 25 submissions from 22 submitters: Benign (9); Likely benign (13). 3 of the submissions do not count toward it. Last evaluated 2026-08-01.

Conditions:
NF1-related disorder. Also called: NF1-related condition. Identifiers: MedGen CN379171.
Hereditary cancer-predisposing syndrome. Also called: Hereditary neoplastic syndrome; Tumor predisposition; Neoplastic Syndromes, Hereditary; Hereditary Cancer Syndrome. Identifiers: Orphanet 140162, MedGen C0027672, MeSH D009386, MONDO:0015356.
Neurofibromatosis-Noonan syndrome (NFNS). Also called: NEUROFIBROMATOSIS WITH NOONAN PHENOTYPE. Identifiers: Orphanet 638, MedGen C2931482, MONDO:0011035, OMIM 601321. Disease mechanism: loss of function.
Café-au-lait macules with pulmonary stenosis (WTSN). Also called: PULMONIC STENOSIS WITH CAFE-AU-LAIT SPOTS. Identifiers: MedGen C0553586, MONDO:0008672, OMIM 193520.
Neurofibromatosis, familial spinal (FSNF). Identifiers: Orphanet 636, MedGen C1834235, MONDO:0008078, OMIM 162210. Disease mechanism: loss of function.
Neurofibromatosis, type 1 (NF1). Also called: Peripheral type neurofibromatosis; Neurofibromatosis, type I; NEUROFIBROMATOSIS, TYPE I, SOMATIC; VON RECKLINGHAUSEN DISEASE. Identifiers: Orphanet 636, MedGen C0027831, MONDO:0018975, OMIM 162200. Disease mechanism: loss of function.

Allele frequency attached by ClinVar (database versions not stated): gnomAD exomes 0.00070 and 0.00129; ExAC 0.00071; gnomAD 0.00083; TOPMed 0.00084; ESP Exome Variant Server 0.00085; 1000 Genomes Project 0.00100; 1000 Genomes Project 30x 0.00109.
gnomAD v4.1: 1,989 of 1,613,894 alleles (0.12%); highest among the groups gnomAD compares: Non-Finnish European, 0.16%; 3 homozygotes.

Submissions (25):

CeGaT Center for Human Genetics Tuebingen
Classification: Likely benign. Last evaluated: 2026-08-01. Review status: criteria provided, single submitter. Criteria: CeGaT Center For Human Genetics Tuebingen Variant Classification Criteria Version 2. Collection method: clinical testing. Allele origin: germline. Affected: yes. Observed: 27 variant alleles.
Comment: NF1: BS1

Myriad Genetics, Inc.
Classification: Benign for Neurofibromatosis, type 1. Last evaluated: 2026-05-20. Review status: criteria provided, single submitter. Criteria: Myriad Autosomal Dominant, Autosomal Recessive and X-Linked Classification Criteria (2023). Collection method: clinical testing. Allele origin: unknown.
Comment: This variant is considered benign. This variant is a silent/synonymous amino acid change and it is not expected to impact splicing.

Labcorp Genetics (formerly Invitae), Labcorp
Classification: Benign for Neurofibromatosis, type 1. Last evaluated: 2026-02-04. Review status: criteria provided, single submitter. Criteria: Invitae Variant Classification Sherloc (09022015). Collection method: clinical testing. Allele origin: germline.

ARUP Laboratories, Molecular Genetics and Genomics, ARUP Laboratories
Classification: Benign. Last evaluated: 2025-05-22. Review status: criteria provided, single submitter. Criteria: ARUP Molecular Germline Variant Investigation Process 2024. Collection method: clinical testing. Allele origin: germline.

Quest Diagnostics Nichols Institute San Juan Capistrano
Classification: Benign. Last evaluated: 2025-02-12. Review status: criteria provided, single submitter. Criteria: Quest Diagnostics criteria. Collection method: clinical testing. Allele origin: unknown.

Mayo Clinic Laboratories, Mayo Clinic
Classification: Likely benign. Last evaluated: 2024-11-21. Review status: criteria provided, single submitter. Criteria: ACMG Guidelines, 2015. Collection method: clinical testing. Allele origin: germline. Observed: 3 variant alleles.
Comment: BS1, BP6

Blueprint Genetics
Classification: Likely benign. Last evaluated: 2024-10-09. Review status: criteria provided, single submitter. Criteria: ACMG Guidelines, 2015. Collection method: clinical testing. Allele origin: germline.

KCCC/NGS Laboratory, Kuwait Cancer Control Center
Classification: Benign for Neurofibromatosis, familial spinal. Last evaluated: 2023-07-07. Review status: criteria provided, single submitter. Criteria: ACMG Guidelines, 2015. Collection method: clinical testing. Allele origin: germline. Affected: yes.

Institute for Biomarker Research, Medical Diagnostic Laboratories, L.L.C.
Classification: Benign for Hereditary cancer-predisposing syndrome. Last evaluated: 2023-03-30. Review status: criteria provided, single submitter. Criteria: ACMG Guidelines, 2015. Collection method: clinical testing. Allele origin: germline.

Genome-Nilou Lab
Classification: Benign for Neurofibromatosis, type 1. Last evaluated: 2022-03-15. Review status: criteria provided, single submitter. Criteria: ACMG Guidelines, 2015. Collection method: clinical testing. Allele origin: germline. Affected: no.

Genetic Services Laboratory, University of Chicago
Classification: Likely benign. Last evaluated: 2021-11-09. Review status: criteria provided, single submitter. Criteria: ACMG Guidelines, 2015. Collection method: clinical testing. Allele origin: germline. Affected: no.

Institute for Clinical Genetics, University Hospital TU Dresden, University Hospital TU Dresden
Classification: Likely benign. Last evaluated: 2021-11-03. Review status: criteria provided, single submitter. Criteria: ACMG Guidelines, 2015. Collection method: clinical testing. Allele origin: germline.

Sema4
Classification: Likely benign for Hereditary cancer-predisposing syndrome. Last evaluated: 2021-06-07. Review status: criteria provided, single submitter. Criteria: Sema4 Curation Guidelines. Collection method: curation. Allele origin: germline.

GeneDx
Classification: Likely benign. Last evaluated: 2020-11-08. Review status: criteria provided, single submitter. Criteria: GeneDx Variant Classification Process June 2021. Collection method: clinical testing. Allele origin: germline. Affected: yes.
Comment: This variant is associated with the following publications: (PMID: 26216301)

Genome Diagnostics Laboratory, The Hospital for Sick Children
Classification: Likely benign for Neurofibromatosis, type 1. Last evaluated: 2020-10-26. Review status: criteria provided, single submitter. Criteria: ACMG Guidelines, 2015. Collection method: clinical testing. Allele origin: germline. Affected: yes.

Women's Health and Genetics/Laboratory Corporation of America, LabCorp
Classification: Benign. Last evaluated: 2019-08-10. Review status: criteria provided, single submitter. Criteria: LabCorp Variant Classification Summary - May 2015. Collection method: clinical testing. Allele origin: germline.

Mendelics
Classification: Likely benign for Neurofibromatosis, type 1. Last evaluated: 2019-05-28. Review status: criteria provided, single submitter. Criteria: Mendelics Assertion Criteria 2017. Collection method: clinical testing. Allele origin: unknown.

Illumina Laboratory Services, Illumina
Classification: Likely benign for Neurofibromatosis, familial spinal. Last evaluated: 2018-01-13. Review status: criteria provided, single submitter. Criteria: ICSL Variant Classification Criteria 13 December 2019. Collection method: clinical testing. Allele origin: germline.
Comment: This variant was observed in the ICSL laboratory as part of a predisposition screen in an ostensibly healthy population. It had not been previously curated by ICSL or reported in the Human Gene Mutation Database (HGMD: prior to June 1st, 2018), and was therefore a candidate for classification through an automated scoring system. Utilizing variant allele frequency, disease prevalence and penetrance estimates, and inheritance mode, an automated score was calculated to assess if this variant is too frequent to cause the disease. Based on the score and internal cut-off values, a variant classified as likely benign is not then subjected to further curation. The score for this variant resulted in a classification of likely benign for this disease.

Illumina Laboratory Services, Illumina
Classification: Likely benign for Café-au-lait macules with pulmonary stenosis. Last evaluated: 2018-01-13. Review status: criteria provided, single submitter. Criteria: ICSL Variant Classification Criteria 13 December 2019. Collection method: clinical testing. Allele origin: germline.
Comment: the same text as in the submission from Illumina Laboratory Services, Illumina above.

Illumina Laboratory Services, Illumina
Classification: Benign for Neurofibromatosis-Noonan syndrome. Last evaluated: 2018-01-13. Review status: criteria provided, single submitter. Criteria: ICSL Variant Classification Criteria 13 December 2019. Collection method: clinical testing. Allele origin: germline.
Comment: This variant was observed in the ICSL laboratory as part of a predisposition screen in an ostensibly healthy population. It had not been previously curated by ICSL or reported in the Human Gene Mutation Database (HGMD: prior to June 1st, 2018), and was therefore a candidate for classification through an automated scoring system. Utilizing variant allele frequency, disease prevalence and penetrance estimates, and inheritance mode, an automated score was calculated to assess if this variant is too frequent to cause the disease. Based on the score and internal cut-off values, a variant classified as benign is not then subjected to further curation. The score for this variant resulted in a classification of benign for this disease.

Illumina Laboratory Services, Illumina
Classification: Likely benign for Neurofibromatosis, type 1. Last evaluated: 2018-01-13. Review status: criteria provided, single submitter. Criteria: ICSL Variant Classification Criteria 13 December 2019. Collection method: clinical testing. Allele origin: germline.
Comment: the same text as in the submission from Illumina Laboratory Services, Illumina above.

Ambry Genetics
Classification: Likely benign for Hereditary cancer-predisposing syndrome. Last evaluated: 2014-08-09. Review status: criteria provided, single submitter. Criteria: Ambry Autosomal Dominant and X-Linked criteria (10/2015). Collection method: clinical testing. Allele origin: germline. Observed: 1 variant allele.

PreventionGenetics, part of Exact Sciences
Classification: Benign for NF1-related condition. Last evaluated: 2023-12-01. Review status: no assertion criteria provided. Collection method: clinical testing. Allele origin: germline. Not counted in ClinVar's aggregate classification.
Comment: This variant is classified as benign based on ACMG/AMP sequence variant interpretation guidelines (Richards et al. 2015 PMID: 25741868, with internal and published modifications).

Clinical Genetics DNA and cytogenetics Diagnostics Lab, Erasmus MC, Erasmus Medical Center
Classification: Benign. Review status: no assertion criteria provided. Collection method: clinical testing. Allele origin: germline. Affected: yes. Study: VKGL Data-share Consensus. Not counted in ClinVar's aggregate classification.

Diagnostic Laboratory, Department of Genetics, University Medical Center Groningen
Classification: Likely benign. Review status: no assertion criteria provided. Collection method: clinical testing. Allele origin: germline. Affected: yes. Study: VKGL Data-share Consensus. Not counted in ClinVar's aggregate classification.

Literature cited by the submitters: PubMed 23460398 (cited by Women's Health and Genetics/Laboratory Corporation of America, LabCorp).

NM_001042492.3(NF1):c.3468C>T (p.Asn1156=)

Gene: NF1 (neurofibromin 1; plus strand). Cytogenetic location: 17q11.2.
Variant type: single nucleotide variant.
Coding change: c.3468C>T on transcript NM_001042492.3 (MANE Select); coding-DNA position 3468, C replaced by T.
Protein change: p.Asn1156=; no amino-acid change (asparagine 1156 retained).
Molecular consequence: synonymous variant.
Genome position (GRCh38, 1-based): chr17:31,232,853, C>T. VCF-style: chr17-31232853-C-T. GRCh37 (hg19) VCF-style: chr17-29559871-C-T.
Other names: p.Asn1156=; c.3468C>T, p.Asn1156= (NM_000267.4).
Identifiers: ClinVar variation 184364 (VCV000184364.82), dbSNP rs147955381, ClinGen allele CA188744.